The following is an entry in ClinVar:

ClinVar aggregate classification (germline): Uncertain significance (1 of 4 stars; one submission).

Submission:

GeneDx
Classification: Uncertain significance. Last evaluated: 2024-08-21. Review status: criteria provided, single submitter. Criteria: GeneDx Variant Classification Process June 2021. Collection method: clinical testing. Allele origin: germline. Affected: yes.
Comment: Not observed at significant frequency in large population cohorts (gnomAD); In silico analysis supports that this missense variant has a deleterious effect on protein structure/function; Has not been previously published as pathogenic or benign to our knowledge

NM_001003694.2(BRPF1):c.3494G>C (p.Arg1165Thr)

Gene: BRPF1 (bromodomain and PHD finger containing 1; plus strand). Cytogenetic location: 3p25.3.
Variant type: single nucleotide variant.
Coding change: c.3494G>C on transcript NM_001003694.2 (MANE Select); coding-DNA position 3494, G replaced by C.
Protein change: p.Arg1165Thr; replaces arginine 1165 with threonine.
Molecular consequence: missense variant. On other transcripts: non-coding transcript variant (1).
Genome position (GRCh38, 1-based): chr3:9,747,180, G>C. VCF-style: chr3-9747180-G-C. GRCh37 (hg19) VCF-style: chr3-9788864-G-C.
Other names: c.3191G>C, p.Arg1064Thr (NM_001319049.2); c.3473G>C, p.Arg1158Thr (NM_001319050.2); c.3491G>C, p.Arg1164Thr (NM_001410704.1); c.3476G>C, p.Arg1159Thr (NM_004634.3); short protein forms R1064T, R1158T, R1159T, R1164T, R1165T.
Identifiers: ClinVar variation 3764485 (VCV003764485.1).
Genomic context (GRCh38, chr3:9,747,180, plus strand): 5'-TTGTTCTCCCTGAGATGATTTATTTGATCTTCACCTTATCCTATAGGCAGTGGCTGCCCA[G>C]GACCAAGCTGGTTCCTCTGGGTGTGAACCAGGACCTAGACAAGGAGAAGATGCTGGAGGG-3'
Protein context (NP_001003694.1, residues 1155-1175): DNKRTWQWLP[Arg1165Thr]TKLVPLGVNQ